The following is an entry in ClinVar:

ClinVar aggregate classification (germline): Conflicting classifications of pathogenicity. Review status: criteria provided, conflicting classifications (1 of 4 stars). 4 submissions from 4 submitters: Uncertain significance (3); Likely benign (1). Last evaluated 2026-08-19.

Conditions:
Hereditary sensory neuropathy-deafness-dementia syndrome. Also called: HSN IE; NEUROPATHY, HEREDITARY SENSORY, WITH HEARING LOSS AND DEMENTIA; Hereditary Sensory and Autonomic Neuropathy Type 1E (HSAN1E); Hereditary sensory neuropathy type IE. Identifiers: Orphanet 456318, MedGen C3279885, MONDO:0013584, OMIM 614116.
Inborn genetic diseases. Identifiers: MedGen C0950123, MeSH D030342.
DNMT1-related disorder. Also called: DNMT1-related condition. Identifiers: MedGen CN381527.

Allele frequency attached by ClinVar (database versions not stated): TOPMed 0.00002; gnomAD exomes 0.00004 and 0.00002; gnomAD 0.00006; ExAC 0.00002.
gnomAD v4.1: 36 of 1,592,336 alleles (0.0023%); highest among the groups gnomAD compares: South Asian, 0.0045%; no homozygotes.

Submissions (4):

PreventionGenetics, part of Exact Sciences
Classification: Uncertain significance for DNMT1-related condition. Last evaluated: 2026-08-19. Review status: criteria provided, single submitter. Criteria: ACMG Guidelines, 2015. Collection method: clinical testing. Allele origin: germline.
Comment: The DNMT1 c.3830G>A variant is predicted to result in the amino acid substitution p.Arg1277Gln. To our knowledge, this variant has not been reported in the literature. This variant is reported in 0.011% of alleles in individuals of South Asian descent in gnomAD. Although we suspect that this variant may be benign, at this time, the clinical significance of this variant is uncertain due to the absence of conclusive functional and genetic evidence.

Labcorp Genetics (formerly Invitae), Labcorp
Classification: Uncertain significance for Hereditary sensory neuropathy-deafness-dementia syndrome. Last evaluated: 2025-07-14. Review status: criteria provided, single submitter. Criteria: Invitae Variant Classification Sherloc (09022015). Collection method: clinical testing. Allele origin: germline.
Comment: This sequence change replaces arginine, which is basic and polar, with glutamine, which is neutral and polar, at codon 1277 of the DNMT1 protein (p.Arg1277Gln). This variant is present in population databases (rs774073234, gnomAD 0.01%). This variant has not been reported in the literature in individuals affected with DNMT1-related conditions. ClinVar contains an entry for this variant (Variation ID: 576485). Invitae Evidence Modeling of protein sequence and biophysical properties (such as structural, functional, and spatial information, amino acid conservation, physicochemical variation, residue mobility, and thermodynamic stability) indicates that this missense variant is expected to disrupt DNMT1 protein function with a positive predictive value of 80%. In summary, the available evidence is currently insufficient to determine the role of this variant in disease. Therefore, it has been classified as a Variant of Uncertain Significance.

Laboratory of Genetics, Children's Clinical University Hospital Latvia
Classification: Likely benign. Last evaluated: 2025-02-16. Review status: criteria provided, single submitter. Criteria: ACMG Guidelines, 2015. Collection method: clinical testing. Allele origin: germline. Affected: yes.

Ambry Genetics
Classification: Uncertain significance for Inborn genetic diseases. Last evaluated: 2022-02-14. Review status: criteria provided, single submitter. Criteria: Ambry Variant Classification Scheme 2023. Collection method: clinical testing. Allele origin: germline.
Comment: The p.R1261Q variant (also known as c.3782G>A), located in coding exon 33 of the DNMT1 gene, results from a G to A substitution at nucleotide position 3782. The arginine at codon 1261 is replaced by glutamine, an amino acid with highly similar properties. This amino acid position is not well conserved in available vertebrate species. In addition, the in silico prediction for this alteration is inconclusive. Since supporting evidence is limited at this time, the clinical significance of this alteration remains unclear.

NM_001130823.3(DNMT1):c.3830G>A (p.Arg1277Gln)

Gene: DNMT1 (DNA methyltransferase 1; minus strand). Cytogenetic location: 19p13.2.
Variant type: single nucleotide variant.
Coding change: c.3830G>A on transcript NM_001130823.3 (MANE Select); coding-DNA position 3830, G replaced by A.
Protein change: p.Arg1277Gln; replaces arginine 1277 with glutamine.
Molecular consequence: missense variant.
Genome position (GRCh38, 1-based): chr19:10,139,794, C>T on the plus strand (G>A on the coding strand, the complement: DNMT1 is on the minus strand). VCF-style: chr19-10139794-C-T. GRCh37 (hg19) VCF-style: chr19-10250470-C-T.
Other names: c.3830G>A (NM_001130823.2, LRG_362t1); c.3782G>A, p.Arg1261Gln (NM_001318730.2, NM_001379.4); c.3467G>A, p.Arg1156Gln (NM_001318731.2); short protein forms R1277Q, R1156Q, R1261Q.
Identifiers: ClinVar variation 576485 (VCV000576485.15), dbSNP rs774073234, ClinGen allele CA9187659.